The following is an entry in ClinVar:

ClinVar aggregate classification (germline): Benign/Likely benign. Review status: criteria provided, multiple submitters, no conflicts (2 of 4 stars). 5 submissions from 5 submitters: Benign (1); Likely benign (3). 1 of the submissions does not count toward it. Last evaluated 2026-02-03.

Conditions:
Early-infantile DEE. Also called: Early infantile epileptic encephalopathy; Ohtahara syndrome; Early infantile epileptic encephalopathy with suppression bursts. Identifiers: Orphanet 1934, MedGen C0393706, MONDO:0800491.
SPTAN1-related disorder. Also called: SPTAN1-related disorders; SPTAN1-related condition.

Allele frequency attached by ClinVar (database versions not stated): gnomAD 0.00007 and 0.00009; gnomAD exomes 0.00007 and 0.00009; ExAC 0.00008; TOPMed 0.00010; 1000 Genomes Project 0.00020; 1000 Genomes Project 30x 0.00031; ESP Exome Variant Server 0.00008.
gnomAD v4.1: 124 of 1,613,482 alleles (0.0077%); highest among the groups gnomAD compares: East Asian, 0.029%; no homozygotes.

Submissions (5):

Labcorp Genetics (formerly Invitae), Labcorp
Classification: Likely benign for Early-infantile DEE. Last evaluated: 2026-02-03. Review status: criteria provided, single submitter. Criteria: Invitae Variant Classification Sherloc (09022015). Collection method: clinical testing. Allele origin: germline.

CeGaT Center for Human Genetics Tuebingen
Classification: Likely benign. Last evaluated: 2025-08-01. Review status: criteria provided, single submitter. Criteria: CeGaT Center For Human Genetics Tuebingen Variant Classification Criteria Version 2. Collection method: clinical testing. Allele origin: germline. Affected: yes. Observed: 1 variant allele.
Comment: SPTAN1: BP4

Athena Diagnostics
Classification: Benign. Last evaluated: 2025-06-25. Review status: criteria provided, single submitter. Criteria: Athena Diagnostics Criteria. Collection method: clinical testing. Allele origin: unknown.
Comment: The frequency of this variant in the general population is higher than would generally be expected for pathogenic variants in this gene. Computational tools yielded predictions that this variant is unlikely to have an effect on normal RNA splicing.

Blueprint Genetics
Classification: Likely benign. Last evaluated: 2024-11-22. Review status: criteria provided, single submitter. Criteria: ACMG Guidelines, 2015. Collection method: clinical testing. Allele origin: germline.

PreventionGenetics, part of Exact Sciences
Classification: Likely benign for SPTAN1-related condition. Last evaluated: 2024-06-21. Review status: no assertion criteria provided. Collection method: clinical testing. Allele origin: germline. Not counted in ClinVar's aggregate classification.
Comment: This variant is classified as likely benign based on ACMG/AMP sequence variant interpretation guidelines (Richards et al. 2015 PMID: 25741868, with internal and published modifications).

NM_001130438.3(SPTAN1):c.6885C>T (p.Leu2295=)

Gene: SPTAN1 (spectrin alpha, non-erythrocytic 1; plus strand). Cytogenetic location: 9q34.11.
Variant type: single nucleotide variant.
Coding change: c.6885C>T on transcript NM_001130438.3 (MANE Select); coding-DNA position 6885, C replaced by T.
Protein change: p.Leu2295=; no amino-acid change (leucine 2295 retained).
Molecular consequence: synonymous variant.
Genome position (GRCh38, 1-based): chr9:128,632,249, C>T. VCF-style: chr9-128632249-C-T. GRCh37 (hg19) VCF-style: chr9-131394528-C-T.
Other names: c.6810C>T, p.Leu2270= (NM_001195532.2); c.6948C>T, p.Leu2316= (NM_001363759.2); c.6825C>T, p.Leu2275= (NM_001363765.2); c.6870C>T, p.Leu2290= (NM_003127.4).
Identifiers: ClinVar variation 461236 (VCV000461236.22), dbSNP rs76767787, ClinGen allele CA5265926.